The following is an entry in ClinVar:

ClinVar aggregate classification (germline): Uncertain significance (1 of 4 stars; one submission).

Submission:

Labcorp Genetics (formerly Invitae), Labcorp
Classification: Uncertain significance. Last evaluated: 2022-05-24. Review status: criteria provided, single submitter. Criteria: Invitae Variant Classification Sherloc (09022015). Collection method: clinical testing. Allele origin: germline.
Comment: In summary, the available evidence is currently insufficient to determine the role of this variant in disease. Therefore, it has been classified as a Variant of Uncertain Significance. This sequence change replaces methionine, which is neutral and non-polar, with arginine, which is basic and polar, at codon 637 of the C7 protein (p.Met637Arg). This variant is not present in population databases (gnomAD no frequency). This variant has not been reported in the literature in individuals affected with C7-related conditions. Algorithms developed to predict the effect of missense changes on protein structure and function (SIFT, PolyPhen-2, Align-GVGD) all suggest that this variant is likely to be tolerated.

NM_000587.4(C7):c.1910T>G (p.Met637Arg)

Gene: C7 (complement C7; plus strand). Cytogenetic location: 5p13.1.
Variant type: single nucleotide variant.
Coding change: c.1910T>G on transcript NM_000587.4 (MANE Select); coding-DNA position 1910, T replaced by G.
Protein change: p.Met637Arg; replaces methionine 637 with arginine.
Molecular consequence: missense variant.
Genome position (GRCh38, 1-based): chr5:40,972,430, T>G. VCF-style: chr5-40972430-T-G. GRCh37 (hg19) VCF-style: chr5-40972532-T-G.
Other names: short protein forms M637R.
Identifiers: ClinVar variation 2129591 (VCV002129591.4), dbSNP rs1399923641, ClinGen allele CA359593057.
Genomic context (GRCh38, chr5:40,972,430, plus strand): 5'-CGACCCTTATATTTTGCTCTCTTTTATCTTTAGAAATTGCCTGTGTTCTACCTGTACTGA[T>G]GGATGGCATACAGAGTCACCCCCAAAAACCTTTCTACACAGTTGGTGAGAAGGTGACTGT-3'
Protein context (NP_000578.2, residues 627-647): QKIACVLPVL[Met637Arg]DGIQSHPQKP